The following is an entry in ClinVar:

NM_018063.5(HELLS):c.2T>C (p.Met1Thr)

Gene: HELLS (helicase, lymphoid specific; plus strand). Cytogenetic location: 10q23.33.
Variant type: single nucleotide variant.
Coding change: c.2T>C on transcript NM_018063.5 (MANE Select); coding-DNA position 2, T replaced by C.
Protein change: p.Met1Thr; changes the start codon (methionine 1).
Molecular consequence: missense variant, initiator codon variant. On other transcripts: 5 prime UTR variant (4), intron variant (1).
Genome position (GRCh38, 1-based): chr10:94,545,923, T>C. VCF-style: chr10-94545923-T-C. GRCh37 (hg19) VCF-style: chr10-96305680-T-C.
Other names: c.2T>C, p.Met1Thr (NM_001289067.2, NM_001289069.2, NM_001289070.2 and 1 more transcripts); c.-415T>C (NM_001289071.2); c.-348T>C (NM_001289073.2); c.-1001T>C (NM_001289074.2); c.-1020T>C (NM_001289075.2); c.-18+16T>C (NM_001289068.2); short protein forms M1T.
Identifiers: ClinVar variation 716400 (VCV000716400.14), dbSNP rs113154675, ClinGen allele CA5615116.

ClinVar aggregate classification (germline): Conflicting classifications of pathogenicity. Review status: criteria provided, conflicting classifications (1 of 4 stars). 4 submissions from 4 submitters: Uncertain significance (1); Benign (2); Likely benign (1). Last evaluated 2026-02-01.

Conditions:
Immunodeficiency-centromeric instability-facial anomalies syndrome 4 (ICF4). Identifiers: Orphanet 2268, MedGen C4310798, MONDO:0014829, OMIM 616911.

Allele frequency attached by ClinVar (database versions not stated): gnomAD exomes 0.00057 and 0.00128; ExAC 0.00356; gnomAD 0.00481; TOPMed 0.00515; ESP Exome Variant Server 0.00529; 1000 Genomes Project 0.00619; 1000 Genomes Project 30x 0.00734.

Submissions (4):

Labcorp Genetics (formerly Invitae), Labcorp
Classification: Benign. Last evaluated: 2026-02-01. Review status: criteria provided, single submitter. Criteria: Invitae Variant Classification Sherloc (09022015). Collection method: clinical testing. Allele origin: germline.

Blueprint Genetics
Classification: Uncertain significance. Last evaluated: 2024-11-26. Review status: criteria provided, single submitter. Criteria: ACMG Guidelines, 2015. Collection method: clinical testing. Allele origin: germline.

Center for Genomics, Ann and Robert H. Lurie Children's Hospital of Chicago
Classification: Likely benign for Immunodeficiency-centromeric instability-facial anomalies syndrome 4. Last evaluated: 2022-10-05. Review status: criteria provided, single submitter. Criteria: ACMG Guidelines, 2015. Collection method: clinical testing. Allele origin: germline.
Comment: This variant has not been reported in the literature but is present in the Genome Aggregation Database (Highest reported MAF 1.5% (633/41444) including 6 homozygotes. This variant is present in ClinVar (Variation ID:716400). Evolutionary conservation and computational predictive tools for this variant are unclear. This variant alters the initiation codon (Methionine), potentially resulting in loss of the protein. However, the presence of this variant in controls, particularly homozygotes argues against a pathogenic impact. In summary, data on this variant suggests that this variant does not cause disease but requires further evidence. Therefore, this variant is classified as likely benign.

Breakthrough Genomics
Classification: Benign. Review status: criteria provided, single submitter. Criteria: ACMG Guidelines, 2015. Collection method: not provided. Allele origin: germline. Inheritance: Autosomal recessive inheritance. Affected: yes.